The following is an entry in ClinVar:

NM_014244.5(ADAMTS2):c.3178+4A>G

Gene: ADAMTS2 (ADAM metallopeptidase with thrombospondin type 1 motif 2; minus strand). Cytogenetic location: 5q35.3.
Variant type: single nucleotide variant.
Coding change: c.3178+4A>G on transcript NM_014244.5 (MANE Select); 4 bases into the intron after coding-DNA position 3178, A replaced by G.
Molecular consequence: intron variant.
Genome position (GRCh38, 1-based): chr5:179,121,657, T>C on the plus strand (A>G on the coding strand, the complement: ADAMTS2 is on the minus strand). VCF-style: chr5-179121657-T-C. GRCh37 (hg19) VCF-style: chr5-178548658-T-C.
Identifiers: ClinVar variation 489357 (VCV000489357.4), dbSNP rs948167718, ClinGen allele CA133025162.

ClinVar aggregate classification (germline): Uncertain significance. Review status: criteria provided, multiple submitters, no conflicts (2 of 4 stars). 3 submissions from 3 submitters: Uncertain significance (2). 1 of the submissions does not count toward it. Last evaluated 2025-10-18.

Conditions:
Ehlers-Danlos syndrome, dermatosparaxis type. Also called: EDS VIIC; Dermatosparaxis; Ehlers-Danlos syndrome, type VII, autosomal recessive. Identifiers: Orphanet 1901, MedGen C2700425, MONDO:0009161, OMIM 225410.

Allele frequency attached by ClinVar (database versions not stated): gnomAD exomes 0.00001; TOPMed 0.00002.
gnomAD v4.1: 13 of 1,598,928 alleles (0.00081%); highest among the groups gnomAD compares: Non-Finnish European, 0.0011%; no homozygotes.

Submissions (3):

Labcorp Genetics (formerly Invitae), Labcorp
Classification: Uncertain significance for Ehlers-Danlos syndrome, dermatosparaxis type. Last evaluated: 2025-10-18. Review status: criteria provided, single submitter. Criteria: Invitae Variant Classification Sherloc (09022015). Collection method: clinical testing. Allele origin: germline.
Comment: This sequence change falls in intron 21 of the ADAMTS2 gene. It does not directly change the encoded amino acid sequence of the ADAMTS2 protein. It affects a nucleotide within the consensus splice site. This variant is not present in population databases (gnomAD no frequency). This variant has not been reported in the literature in individuals affected with ADAMTS2-related conditions. ClinVar contains an entry for this variant (Variation ID: 489357). Variants that disrupt the consensus splice site are a relatively common cause of aberrant splicing (PMID: 17576681, 9536098). Algorithms developed to predict the effect of sequence changes on RNA splicing suggest that this variant may disrupt the consensus splice site. In summary, the available evidence is currently insufficient to determine the role of this variant in disease. Therefore, it has been classified as a Variant of Uncertain Significance.

GeneDx
Classification: Uncertain significance. Last evaluated: 2018-01-18. Review status: criteria provided, single submitter. Criteria: GeneDx Variant Classification (06012015). Collection method: clinical testing. Allele origin: germline. Affected: yes.
Comment: The c.3178+4A>G variant in the ADAMTS2 gene has not been reported previously as a pathogenic variant nor as a benign variant, to our knowledge. This variant is predicted to damage or destroy the natural splice donor site of intron 21, and is expected to cause abnormal gene splicing. The c.3178+4A>G variant is not observed in large population cohorts (Lek et al., 2016). We interpret c.3178+4A>G as a variant of uncertain significance.

Natera, Inc.
Classification: Uncertain significance for Ehlers-Danlos syndrome type VIIC. Last evaluated: 2020-02-12. Review status: no assertion criteria provided. Collection method: clinical testing. Allele origin: germline. Not counted in ClinVar's aggregate classification.

Literature cited by the submitters: PubMed 17576681 (cited by Labcorp Genetics (formerly Invitae), Labcorp); PubMed 9536098 (cited by Labcorp Genetics (formerly Invitae), Labcorp).